The following is an entry in ClinVar:

NM_006031.6(PCNT):c.5602G>A (p.Ala1868Thr)

Gene: PCNT (pericentrin; plus strand). Cytogenetic location: 21q22.3.
Variant type: single nucleotide variant.
Coding change: c.5602G>A on transcript NM_006031.6 (MANE Select); coding-DNA position 5602, G replaced by A.
Protein change: p.Ala1868Thr; replaces alanine 1868 with threonine.
Molecular consequence: missense variant.
Genome position (GRCh38, 1-based): chr21:46,411,675, G>A. VCF-style: chr21-46411675-G-A. GRCh37 (hg19) VCF-style: chr21-47831589-G-A.
Other names: c.5248G>A, p.Ala1750Thr (NM_001315529.2); short protein forms A1750T, A1868T.
Identifiers: ClinVar variation 3344304 (VCV003344304.1).
Genomic context (GRCh38, chr21:46,411,675, plus strand): 5'-GAGGTCGAAGACATGGCCTCCCGGATCCAGGAGTTCGAAGCGGCCCTGAAAGCAAAGGAA[G>A]CGACGATTGCCGAGAGAAATTTAGAAATCGACGCTCTGAACCAGCGGAAGGCGGCCCACT-3'
Protein context (NP_006022.3, residues 1858-1878): EFEAALKAKE[Ala1868Thr]TIAERNLEID

ClinVar aggregate classification (germline): Uncertain significance (0 of 4 stars; one submission).

Conditions:
PCNT-related disorder. Also called: PCNT-related condition.

gnomAD v4.1: 1 of 1,613,012 alleles (0.000062%); highest among the groups gnomAD compares: Admixed American, 0.0017%; no homozygotes.

Submission:

PreventionGenetics, part of Exact Sciences
Classification: Uncertain significance for PCNT-related condition. Last evaluated: 2024-09-23. Review status: no assertion criteria provided. Collection method: clinical testing. Allele origin: germline.
Comment: The PCNT c.5602G>A variant is predicted to result in the amino acid substitution p.Ala1868Thr. To our knowledge, this variant has not been reported in the literature. This variant is reported in 0.0029% of alleles in individuals of Latino descent in gnomAD. At this time, the clinical significance of this variant is uncertain due to the absence of conclusive functional and genetic evidence.